The following is an entry in ClinVar:

ClinVar aggregate classification (germline): Pathogenic/Likely pathogenic. Review status: criteria provided, multiple submitters, no conflicts (2 of 4 stars). 2 submissions from 2 submitters: Pathogenic (1); Likely pathogenic (1). Last evaluated 2023-06-29.

Conditions:
Glaucoma 3A. Also called: Glaucoma 3, primary congenital, A. Identifiers: Orphanet 98976, Orphanet 98977, MedGen C1856439, MONDO:0009277, OMIM 231300.

Submissions (2):

GeneDx
Classification: Pathogenic. Last evaluated: 2023-06-29. Review status: criteria provided, single submitter. Criteria: GeneDx Variant Classification Process June 2021. Collection method: clinical testing. Allele origin: germline. Affected: yes.
Comment: Frameshift variant predicted to result in protein truncation, as the last 102 amino acids are replaced with 14 different amino acids, and other loss-of-function variants have been reported downstream in the Human Gene Mutation Database (HGMD); Not observed at a significant frequency in large population cohorts (gnomAD); This variant is associated with the following publications: (PMID: 27777502, 27508083, 30820150, 35085548)

3billion
Classification: Likely pathogenic for Glaucoma 3A. Last evaluated: 2022-05-22. Review status: criteria provided, single submitter. Criteria: ACMG Guidelines, 2015. Collection method: clinical testing. Allele origin: germline. Affected: yes. Observed: 1 homozygote.
Comment: The variant is observed at an extremely low frequency in the gnomAD v2.1.1 dataset (total allele frequency: <0.001%). Frameshift: predicted to result in a loss or disruption of normal protein function through protein truncation. The predicted truncated protein may be shortened by more than 10%. The variant has been reported to be associated with CYP1B1- related disorder (PMID: 27508083). Therefore, this variant is classified as likely pathogenic according to the recommendation of ACMG/AMP guideline.

Literature cited by the submitters: PubMed 27508083 (cited by 3billion).

NM_000104.4(CYP1B1):c.1325del (p.Pro442fs)

Genes: CYP1B1 (cytochrome P450 family 1 subfamily B member 1; minus strand), LOC128772254 (melanoma risk locus-associated MPRA allelic enhancer 2:38298139; plus strand). Cytogenetic location: 2p22.2.
Variant type: Deletion.
Coding change: c.1325del on transcript NM_000104.4 (MANE Select); coding-DNA position 1325, one base deleted (C; older notation c.1325delC).
Protein change: p.Pro442fs; shifts the reading frame from proline 442.
Molecular consequence: frameshift variant.
Genome position (GRCh38, 1-based): chr2:38,071,029, G deleted on the plus strand (C on the coding strand, the reverse complement: CYP1B1 is on the minus strand); the first of 2 consecutive G bases (chr2:38,071,029-38,071,030); deleting either gives the same sequence. VCF-style (leftmost placement, unchanged base first): chr2-38071028-TG-T. GRCh37 (hg19) VCF-style: chr2-38298171-TG-T.
Other names: c.1325del (NM_000104.3); short protein forms P442fs.
Identifiers: ClinVar variation 1687366 (VCV001687366.2), dbSNP rs770799584, ClinGen allele CA1619813.
Genomic context (GRCh38, chr2:38,071,028, plus strand): 5'-AATCATCACTCTGCTGGTCAGGTCCTTGTTGATGAGGCCATCCTTGTCCAAGAATCGAGC[TG>T]GATCAAAGTTCTCCGGGTTAGGCCACTTCAGTGGGTCATGATTCACAGACCACTGGTTGA-3'